The following is an entry in ClinVar:

ClinVar aggregate classification (germline): Likely benign. Review status: criteria provided, multiple submitters, no conflicts (2 of 4 stars). 2 submissions from 2 submitters: Likely benign (2). Last evaluated 2025-11-06.

Conditions:
Holoprosencephaly 9 (HPE9). Also called: HOLOPROSENCEPHALY WITH MICROPHTHALMIA AND FIRST BRANCHIAL ARCH ANOMALIES; PITUITARY ANOMALIES WITH HOLOPROSENCEPHALY-LIKE FEATURES. Identifiers: Orphanet 2162, MedGen C1835819, MONDO:0012563, OMIM 610829.
Postaxial polydactyly-anterior pituitary anomalies-facial dysmorphism syndrome. Also called: Culler-Jones syndrome. Identifiers: Orphanet 420584, MedGen C4014479, MONDO:0014369, OMIM 615849.
GLI2-related disorder. Also called: GLI2-related disorders; GLI2-related condition.

gnomAD v4.1: 109 of 1,613,340 alleles (0.0068%); highest among the groups gnomAD compares: Non-Finnish European, 0.009%; no homozygotes.

Submissions (2):

Labcorp Genetics (formerly Invitae), Labcorp
Classification: Likely benign for Postaxial polydactyly-anterior pituitary anomalies-facial dysmorphism syndrome; Holoprosencephaly 9. Last evaluated: 2025-11-06. Review status: criteria provided, single submitter. Criteria: Invitae Variant Classification Sherloc (09022015). Collection method: clinical testing. Allele origin: germline.

PreventionGenetics, part of Exact Sciences
Classification: Likely benign for GLI2-related condition. Last evaluated: 2025-08-25. Review status: criteria provided, single submitter. Criteria: ACMG Guidelines, 2015. Collection method: clinical testing. Allele origin: germline.
Comment: This variant is classified as likely benign based on ACMG/AMP sequence variant interpretation guidelines (Richards et al. 2015 PMID: 25741868, with internal and published modifications).

NM_001374353.1(GLI2):c.4248G>A (p.Pro1416=)

Gene: GLI2 (GLI family zinc finger 2; plus strand). Cytogenetic location: 2q14.2.
Variant type: single nucleotide variant.
Coding change: c.4248G>A on transcript NM_001374353.1 (MANE Select); coding-DNA position 4248, G replaced by A.
Protein change: p.Pro1416=; no amino-acid change (proline 1416 retained).
Molecular consequence: synonymous variant.
Genome position (GRCh38, 1-based): chr2:120,990,213, G>A. VCF-style: chr2-120990213-G-A. GRCh37 (hg19) VCF-style: chr2-121747789-G-A.
Other names: c.4299G>A (NM_005270.4); c.4299G>A, p.Pro1433= (NM_001371271.1, NM_005270.5); c.3873G>A, p.Pro1291= (NM_001374354.1).
Identifiers: ClinVar variation 4790993 (VCV004790993.2).